The following is an entry in ClinVar:

NM_004504.5(AGFG1):c.1179G>A (p.Ala393=)

Genes: AGFG1 (ArfGAP with FG repeats 1; plus strand), LOC129935738 (ATAC-STARR-seq lymphoblastoid silent region 12400; plus strand). Cytogenetic location: 2q36.3.
Variant type: single nucleotide variant.
Coding change: c.1179G>A on transcript NM_004504.5 (MANE Select); coding-DNA position 1179, G replaced by A.
Protein change: p.Ala393=; no amino-acid change (alanine 393 retained).
Molecular consequence: synonymous variant.
Genome position (GRCh38, 1-based): chr2:227,534,999, G>A. VCF-style: chr2-227534999-G-A. GRCh37 (hg19) VCF-style: chr2-228399715-G-A.
Other names: c.1251G>A, p.Ala417= (NM_001135187.2); c.1179G>A, p.Ala393= (NM_001135188.2); c.1059G>A, p.Ala353= (NM_001135189.2).
Identifiers: ClinVar variation 2651961 (VCV002651961.24), dbSNP rs373217967, ClinGen allele CA2148715.

ClinVar aggregate classification (germline): Likely benign (1 of 4 stars; one submission).

Allele frequency attached by ClinVar (database versions not stated): ESP Exome Variant Server 0.00008; ExAC 0.00028; gnomAD 0.00028; TOPMed 0.00034; gnomAD exomes 0.00043.
gnomAD v4.1: 663 of 1,612,882 alleles (0.041%); highest among the groups gnomAD compares: Non-Finnish European, 0.05%; 1 homozygote.

Submission:

CeGaT Center for Human Genetics Tuebingen
Classification: Likely benign. Last evaluated: 2022-07-01. Review status: criteria provided, single submitter. Criteria: CeGaT Center For Human Genetics Tuebingen Variant Classification Criteria Version 2. Collection method: clinical testing. Allele origin: germline. Affected: yes. Observed: 1 variant allele.
Comment: AGFG1: BP4, BP7